The following is an entry in ClinVar:

ClinVar aggregate classification (germline): Conflicting classifications of pathogenicity. Review status: criteria provided, conflicting classifications (1 of 4 stars). 10 submissions from 8 submitters: Uncertain significance (2); Benign (3); Likely benign (5). Last evaluated 2026-09-01.

Conditions:
Cardiovascular phenotype. Identifiers: MedGen CN230736.
Ehlers-Danlos syndrome (EDS). Identifiers: Orphanet 98249, MedGen C0013720, MONDO:0020066.
Infantile cortical hyperostosis. Also called: P1PK BLOOD GROUP SYSTEM, P(2) PHENOTYPE; Caffey Disease; Hyperostosis, Cortical, Congenital. Identifiers: Orphanet 1310, MedGen C0020497, MONDO:0007244, OMIM 114000.
Osteogenesis imperfecta type I (OI1). Also called: Osteogenesis imperfecta type 1; Classic Non-deforming Osteogenesis Imperfecta with Blue Sclerae; Lobstein's Disease; OI, TYPE I; OSTEOGENESIS IMPERFECTA TARDA; OSTEOGENESIS IMPERFECTA WITH BLUE SCLERAE. Identifiers: Orphanet 216796, Orphanet 666, MedGen C0023931, MONDO:0008146, OMIM 166200. Disease mechanism: loss of function.
Osteogenesis imperfecta (OI). Identifiers: Orphanet 666, MedGen C0029434, MeSH D010013, MONDO:0019019.
Ehlers-Danlos syndrome, arthrochalasia type. Also called: Ehlers-Danlos syndrome, arthrochalasis type; Ehlers-Danlos syndrome, arthrochalasia type, 1; ARTHROCHALASIS MULTIPLEX CONGENITA; EDS VII, MUTANT PROCOLLAGEN TYPE; EDS VIIA. Identifiers: Orphanet 1899, Orphanet 99875, Orphanet 99876, MedGen C4551623, MONDO:0007525, OMIM 130060.

Allele frequency attached by ClinVar (database versions not stated): gnomAD 0.00013; 1000 Genomes Project 0.00040; TOPMed 0.00042; gnomAD exomes 0.00043; 1000 Genomes Project 30x 0.00062.
gnomAD v4.1: 363 of 1,613,866 alleles (0.022%); highest among the groups gnomAD compares: Admixed American, 0.13%; 3 homozygotes.

Submissions (14):

CeGaT Center for Human Genetics Tuebingen
Classification: Benign. Last evaluated: 2026-09-01. Review status: criteria provided, single submitter. Criteria: CeGaT Center For Human Genetics Tuebingen Variant Classification Criteria Version 2. Collection method: clinical testing. Allele origin: germline. Affected: yes. Observed: 2 variant alleles.
Comment: COL1A1: BS1, BS2

Labcorp Genetics (formerly Invitae), Labcorp
Classification: Benign for Osteogenesis imperfecta type I. Last evaluated: 2026-01-12. Review status: criteria provided, single submitter. Criteria: Invitae Variant Classification Sherloc (09022015). Collection method: clinical testing. Allele origin: germline.

Blueprint Genetics
Classification: Likely benign. Last evaluated: 2024-09-24. Review status: criteria provided, single submitter. Criteria: ACMG Guidelines, 2015. Collection method: clinical testing. Allele origin: germline.

GeneDx
Classification: Likely benign. Last evaluated: 2021-03-01. Review status: criteria provided, single submitter. Criteria: GeneDx Variant Classification Process June 2021. Collection method: clinical testing. Allele origin: germline. Affected: yes.

Genome Diagnostics Laboratory, The Hospital for Sick Children
Classification: Likely benign for Ehlers-Danlos syndrome. Last evaluated: 2020-09-24. Review status: criteria provided, single submitter. Criteria: ACMG Guidelines, 2015. Collection method: clinical testing. Allele origin: germline.

Ambry Genetics
Classification: Likely benign for Cardiovascular phenotype. Last evaluated: 2019-11-25. Review status: criteria provided, single submitter. Criteria: Ambry Variant Classification Scheme 2023. Collection method: clinical testing. Allele origin: germline.

Illumina Laboratory Services, Illumina
Classification: Benign for Ehlers-Danlos syndrome, arthrochalasia type. Last evaluated: 2018-01-13. Review status: criteria provided, single submitter. Criteria: ICSL Variant Classification Criteria 13 December 2019. Collection method: clinical testing. Allele origin: germline.
Comment: This variant was observed in the ICSL laboratory as part of a predisposition screen in an ostensibly healthy population. It had not been previously curated by ICSL or reported in the Human Gene Mutation Database (HGMD: prior to June 1st, 2018), and was therefore a candidate for classification through an automated scoring system. Utilizing variant allele frequency, disease prevalence and penetrance estimates, and inheritance mode, an automated score was calculated to assess if this variant is too frequent to cause the disease. Based on the score and internal cut-off values, a variant classified as benign is not then subjected to further curation. The score for this variant resulted in a classification of benign for this disease.

Illumina Laboratory Services, Illumina
Classification: Uncertain significance for Infantile cortical hyperostosis. Last evaluated: 2018-01-13. Review status: criteria provided, single submitter. Criteria: ICSL Variant Classification Criteria 13 December 2019. Collection method: clinical testing. Allele origin: germline.

Illumina Laboratory Services, Illumina
Classification: Likely benign for Osteogenesis imperfecta. Last evaluated: 2018-01-13. Review status: criteria provided, single submitter. Criteria: ICSL Variant Classification Criteria 13 December 2019. Collection method: clinical testing. Allele origin: germline.
Comment: This variant was observed in the ICSL laboratory as part of a predisposition screen in an ostensibly healthy population. It had not been previously curated by ICSL or reported in the Human Gene Mutation Database (HGMD: prior to June 1st, 2018), and was therefore a candidate for classification through an automated scoring system. Utilizing variant allele frequency, disease prevalence and penetrance estimates, and inheritance mode, an automated score was calculated to assess if this variant is too frequent to cause the disease. Based on the score and internal cut-off values, a variant classified as likely benign is not then subjected to further curation. The score for this variant resulted in a classification of likely benign for this disease.

Eurofins Ntd Llc (ga)
Classification: Uncertain significance. Last evaluated: 2016-11-17. Review status: criteria provided, single submitter. Criteria: EGL Classification Definitions 2015. Collection method: clinical testing. Allele origin: germline. Observed: 1 variant allele, 1 heterozygote.

Dr. Peter K. Rogan Lab, Western University
No classification provided (evidence only). Condition: Clear cell carcinoma of kidney. Review status: no classification provided. Collection method: in vitro. Allele origin: not applicable. Functional consequence: retained intron. Not counted in ClinVar's aggregate classification.

Dr. Peter K. Rogan Lab, Western University
No classification provided (evidence only). Condition: Familial cancer of breast. Review status: no classification provided. Collection method: in vitro. Allele origin: not applicable. Functional consequence: retained intron. Not counted in ClinVar's aggregate classification.

Dr. Peter K. Rogan Lab, Western University
No classification provided (evidence only). Condition: Colon adenocarcinoma. Review status: no classification provided. Collection method: in vitro. Allele origin: not applicable. Functional consequence: retained intron. Not counted in ClinVar's aggregate classification.

Dr. Peter K. Rogan Lab, Western University
No classification provided (evidence only). Condition: Thyroid cancer, nonmedullary, 1. Review status: no classification provided. Collection method: in vitro. Allele origin: not applicable. Functional consequence: retained intron. Not counted in ClinVar's aggregate classification.

NM_000088.4(COL1A1):c.627C>T (p.Gly209=)

Gene: COL1A1 (collagen type I alpha 1 chain; minus strand). Cytogenetic location: 17q21.33.
Variant type: single nucleotide variant.
Coding change: c.627C>T on transcript NM_000088.4 (MANE Select); coding-DNA position 627, C replaced by T.
Protein change: p.Gly209=; no amino-acid change (glycine 209 retained).
Molecular consequence: synonymous variant.
Genome position (GRCh38, 1-based): chr17:50,197,964, G>A on the plus strand (C>T on the coding strand, the complement: COL1A1 is on the minus strand). VCF-style: chr17-50197964-G-A. GRCh37 (hg19) VCF-style: chr17-48275325-G-A.
Identifiers: ClinVar variation 324117 (VCV000324117.52), dbSNP rs201136122, ClinGen allele CA8645632.
Genomic context (GRCh38, chr17:50,197,964, plus strand): 5'-TGTGTGTTTGTAGAAGGAGTATGAATCTGTATAGAGAGTGCTTACTGAAGCTCCAGGCTC[G>A]CCAGGCTCACCAGGGGGACCTTGGAAGCCTTGGGGACCCTTGAGAAGAAGGAAAAAGATG-3'
Protein context (NP_000079.2, residues 199-219): QGFQGPPGEP[Gly209=]EPGASGPMGP